The following is an entry in ClinVar:

ClinVar aggregate classification (germline): Uncertain significance. Review status: criteria provided, multiple submitters, no conflicts (2 of 4 stars). 3 submissions from 3 submitters: Uncertain significance (3). Last evaluated 2026-09-17.

Conditions:
Age related macular degeneration 4. Identifiers: MedGen C1853147, MONDO:0012540, OMIM 610698.
Factor H deficiency (CFHD). Also called: CFH DEFICIENCY; COMPLEMENT FACTOR H DEFICIENCY. Identifiers: Orphanet 200421, MedGen C0398777, MONDO:0012350, OMIM 609814.
Atypical hemolytic-uremic syndrome. Identifiers: Orphanet 2134, MedGen C2931788, MONDO:0016244.
Retinal dystrophy. Also called: Inherited retinal dystrophy. Identifiers: Orphanet 71862, MedGen C0854723, MeSH D058499, MONDO:0019118, HP:0000556.

Allele frequency attached by ClinVar (database versions not stated): ExAC 0.00002; gnomAD exomes 0.00002; gnomAD 0.00004 and 0.00005; TOPMed 0.00005; ESP Exome Variant Server 0.00023.
gnomAD v4.1: 88 of 1,610,014 alleles (0.0055%); highest among the groups gnomAD compares: Non-Finnish European, 0.0071%; no homozygotes.

Submissions (3):

Genomenon, Inc
Classification: Uncertain significance for Age related macular degeneration 4; Atypical hemolytic-uremic syndrome; Factor H deficiency. Last evaluated: 2026-09-17. Review status: criteria provided, single submitter. Criteria: Genomenon Sequence Variant Interpretation Standards - Updated. Collection method: curation. Allele origin: germline. Affected: yes.
Comment: CFH p.Arg2Thr (c.5G>C) is a missense variant that changes the amino acid at codon 2 from arginine to threonine. This variant has been observed in at least one proband affected with a CFH-related disorder (PMID: 29888403; 32246154). The variant was found to segregate with disease in at least one affected family (PMID: 32246154). Well-established functional studies show no damaging effect of this variant on protein function, supporting a benign classification (PMID: 34189567). It is absent or not present at a significant frequency in gnomAD. In silico models predict that this variant is not damaging. In conclusion, we classify CFH p.Arg2Thr (c.5G>C) as a variant of uncertain significance.

Labcorp Genetics (formerly Invitae), Labcorp
Classification: Uncertain significance. Last evaluated: 2024-10-25. Review status: criteria provided, single submitter. Criteria: Invitae Variant Classification Sherloc (09022015). Collection method: clinical testing. Allele origin: germline.
Comment: This sequence change replaces arginine, which is basic and polar, with threonine, which is neutral and polar, at codon 2 of the CFH protein (p.Arg2Thr). This variant is present in population databases (rs142266551, gnomAD 0.005%). This missense change has been observed in individual(s) with CFH-related conditions (PMID: 29888403). ClinVar contains an entry for this variant (Variation ID: 1388423). An algorithm developed to predict the effect of missense changes on protein structure and function (PolyPhen-2) suggests that this variant is likely to be tolerated. Experimental studies have shown that this missense change does not substantially affect CFH function (PMID: 34189567, 36445700). In summary, the available evidence is currently insufficient to determine the role of this variant in disease. Therefore, it has been classified as a Variant of Uncertain Significance.

Institute of Human Genetics, Univ. Regensburg, Univ. Regensburg
Classification: Uncertain significance for Retinal dystrophy. Last evaluated: 2023-01-01. Review status: criteria provided, single submitter. Criteria: ACMG Guidelines, 2015. Collection method: clinical testing. Allele origin: germline. Affected: yes.

Literature cited by the submitters: PubMed 29888403 (cited by 3 submitters); PubMed 32246154 (cited by Genomenon, Inc and Institute of Human Genetics, Univ. Regensburg, Univ. Regensburg); PubMed 34189567 (cited by 3 submitters); PubMed 36445700 (cited by Labcorp Genetics (formerly Invitae), Labcorp).

NM_000186.4(CFH):c.5G>C (p.Arg2Thr)

Gene: CFH (complement factor H; plus strand). Cytogenetic location: 1q31.3.
Variant type: single nucleotide variant.
Coding change: c.5G>C on transcript NM_000186.4 (MANE Select); coding-DNA position 5, G replaced by C.
Protein change: p.Arg2Thr; replaces arginine 2 with threonine.
Molecular consequence: missense variant.
Genome position (GRCh38, 1-based): chr1:196,652,122, G>C. VCF-style: chr1-196652122-G-C. GRCh37 (hg19) VCF-style: chr1-196621252-G-C.
Other names: c.5G>C, p.Arg2Thr (NM_001014975.3); short protein forms R2T.
Identifiers: ClinVar variation 1388423 (VCV001388423.10), dbSNP rs142266551, ClinGen allele CA1304906.